The following is an entry in ClinVar:

NM_000381.4(MID1):c.661-9_661-7dup

Gene: MID1 (midline 1; minus strand). Cytogenetic location: Xp22.2.
Variant type: Duplication.
Coding change: c.661-9_661-7dup on transcript NM_000381.4 (MANE Select); 9 bases into the intron before coding-DNA position 661 through 7 bases into the intron before coding-DNA position 661, 3 bases duplicated (TTT; older notation c.661-9_661-7dupTTT).
Molecular consequence: intron variant.
Genome position (GRCh38, 1-based): chrX:10,523,194-10,523,196, AAA duplicated on the plus strand (TTT on the coding strand, the reverse complement: MID1 is on the minus strand); duplicating any 3 consecutive bases within chrX:10,523,194-10,523,209 gives the same sequence; the c. name uses the placement nearest the transcript's 3' end. VCF-style (leftmost placement, unchanged base first): chrX-10523193-C-CAAA. GRCh37 (hg19) VCF-style: chrX-10491233-C-CAAA.
Other names: c.661-9_661-7dup (NM_033290.4, NM_001098624.2, NM_001347733.2 and 3 more transcripts); c.547-9_547-7dup (NM_033289.2, NM_001193280.1).
Identifiers: ClinVar variation 2659977 (VCV002659977.24), dbSNP rs375668839, ClinGen allele CA10347664.
Genomic context (GRCh38, chrX:10,523,193, plus strand): 5'-TCTCCAGTTCTGTGTTCCTCTTAATAAGGTTGGTGAGGTTACTCTCTAAGTTTTGCTGTT[C>CAAA]AAAAAAAAAAAAAAAAGAGGAAAAATATTATTCTGCATACTTTTATACTTCAGATACACA-3'

ClinVar aggregate classification (germline): Likely benign (1 of 4 stars; one submission).

Submission:

CeGaT Center for Human Genetics Tuebingen
Classification: Likely benign. Last evaluated: 2024-11-01. Review status: criteria provided, single submitter. Criteria: CeGaT Center For Human Genetics Tuebingen Variant Classification Criteria Version 2. Collection method: clinical testing. Allele origin: germline. Affected: yes. Observed: 4 variant alleles.
Comment: MID1: BP4, BS2